The following is an entry in ClinVar:

NM_001037.5(SCN1B):c.310C>A (p.Leu104Met)

Gene: SCN1B (sodium voltage-gated channel beta subunit 1; plus strand). Cytogenetic location: 19q13.11.
Variant type: single nucleotide variant.
Coding change: c.310C>A on transcript NM_001037.5 (MANE Select); coding-DNA position 310, C replaced by A.
Protein change: p.Leu104Met; replaces leucine 104 with methionine.
Molecular consequence: missense variant.
Genome position (GRCh38, 1-based): chr19:35,033,601, C>A. VCF-style: chr19-35033601-C-A. GRCh37 (hg19) VCF-style: chr19-35524505-C-A.
Other names: c.211C>A, p.Leu71Met (NM_001321605.2); c.310C>A, p.Leu104Met (NM_199037.5); short protein forms L104M, L71M.
Identifiers: ClinVar variation 537731 (VCV000537731.10), dbSNP rs1555720733, ClinGen allele CA405328752.
Genomic context (GRCh38, chr19:35,033,601, plus strand): 5'-GAGCGCTTCGAGGGCCGCGTGGTGTGGAATGGCAGCCGGGGCACCAAAGACCTGCAGGAT[C>A]TGTCTATCTTCATCACCAATGTCACCTACAACCACTCGGGCGACTACGAGTGCCACGTCT-3'
Protein context (NP_001028.1, residues 94-114): GSRGTKDLQD[Leu104Met]SIFITNVTYN

ClinVar aggregate classification (germline): Uncertain significance (1 of 4 stars; one submission).

Conditions:
Brugada syndrome 5 (BRGDA5). Identifiers: Orphanet 130, Orphanet 871, MedGen C2748541, MONDO:0013015, OMIM 612838.

Submission:

Labcorp Genetics (formerly Invitae), Labcorp
Classification: Uncertain significance for Brugada syndrome 5. Last evaluated: 2023-08-17. Review status: criteria provided, single submitter. Criteria: Invitae Variant Classification Sherloc (09022015). Collection method: clinical testing. Allele origin: germline.
Comment: This sequence change replaces leucine, which is neutral and non-polar, with methionine, which is neutral and non-polar, at codon 104 of the SCN1B protein (p.Leu104Met). This variant is not present in population databases (gnomAD no frequency). This variant has not been reported in the literature in individuals affected with SCN1B-related conditions. ClinVar contains an entry for this variant (Variation ID: 537731). An algorithm developed to predict the effect of missense changes on protein structure and function (PolyPhen-2) suggests that this variant is likely to be disruptive. In summary, the available evidence is currently insufficient to determine the role of this variant in disease. Therefore, it has been classified as a Variant of Uncertain Significance.